The following is an entry in ClinVar:

NM_021728.4(OTX2):c.125C>A (p.Thr42Asn)

Gene: OTX2 (orthodenticle homeobox 2; minus strand). Cytogenetic location: 14q22.3.
Variant type: single nucleotide variant.
Coding change: c.125C>A on transcript NM_021728.4 (MANE Select); coding-DNA position 125, C replaced by A.
Protein change: p.Thr42Asn; replaces threonine 42 with asparagine.
Molecular consequence: missense variant.
Genome position (GRCh38, 1-based): chr14:56,804,336, G>T on the plus strand (C>A on the coding strand, the complement: OTX2 is on the minus strand). VCF-style: chr14-56804336-G-T. GRCh37 (hg19) VCF-style: chr14-57271054-G-T.
Other names: c.101C>A, p.Thr34Asn (NM_001270524.2, NM_172337.3, NM_001270523.2); c.125C>A, p.Thr42Asn (NM_001270525.2); short protein forms T34N, T42N.
Identifiers: ClinVar variation 2118087 (VCV002118087.4), dbSNP rs758946986, ClinGen allele CA7200548.
Genomic context (GRCh38, chr14:56,804,336, plus strand): 5'-TCCAGCACATCTAGCTGCGCCCGAGTGAACGTCGTCCTCTCCCGGCGCTGTTTCCGGGGG[G>T]TGGCTGCGGGACAAGAAGCCCAGGGCCCTTTAGGGTGGGGGAGCAGTTTCTCAGTCATAG-3'
Protein context (NP_068374.1, residues 32-52): PGPWASCPAA[Thr42Asn]PRKQRRERTT

ClinVar aggregate classification (germline): Uncertain significance (1 of 4 stars; one submission).

Conditions:
Anophthalmia-microphthalmia syndrome. Also called: Anophthalmia/Microphthalmia; Anophthalmia - microphthalmia. Identifiers: Orphanet 98555, MedGen C5680330, MONDO:0020147.

Allele frequency attached by ClinVar (database versions not stated): gnomAD 0.00001; ExAC 0.00002.
gnomAD v4.1: 11 of 1,613,818 alleles (0.00068%); highest among the groups gnomAD compares: South Asian, 0.0011%; no homozygotes.

Submission:

Labcorp Genetics (formerly Invitae), Labcorp
Classification: Uncertain significance for Anophthalmia-microphthalmia syndrome. Last evaluated: 2022-03-27. Review status: criteria provided, single submitter. Criteria: Invitae Variant Classification Sherloc (09022015). Collection method: clinical testing. Allele origin: germline.
Comment: In summary, the available evidence is currently insufficient to determine the role of this variant in disease. Therefore, it has been classified as a Variant of Uncertain Significance. Algorithms developed to predict the effect of missense changes on protein structure and function are either unavailable or do not agree on the potential impact of this missense change (SIFT: "Deleterious"; PolyPhen-2: "Benign"; Align-GVGD: "Class C55"). This variant has not been reported in the literature in individuals affected with OTX2-related conditions. This variant is present in population databases (rs758946986, gnomAD 0.003%). This sequence change replaces threonine, which is neutral and polar, with asparagine, which is neutral and polar, at codon 34 of the OTX2 protein (p.Thr34Asn).